The following is an entry in ClinVar:

ClinVar aggregate classification (germline): Uncertain significance (1 of 4 stars; one submission).

Conditions:
Ehlers-Danlos syndrome, type 4 (EDSVASC). Also called: Ehlers-Danlos syndrome vascular type; Ehlers Danlos syndrome, ecchymotic type; Ehlers Danlos syndrome, arterial type; Ehlers Danlos syndrome, Sack-Barabas type; Ehlers-Danlos Syndrome Type IV. Identifiers: Orphanet 286, MedGen C0268338, MONDO:0017314, OMIM 130050.

Submission:

Labcorp Genetics (formerly Invitae), Labcorp
Classification: Uncertain significance for Ehlers-Danlos syndrome, type 4. Last evaluated: 2022-07-12. Review status: criteria provided, single submitter. Criteria: Invitae Variant Classification Sherloc (09022015). Collection method: clinical testing. Allele origin: germline.
Comment: Variants that disrupt the consensus splice site are a relatively common cause of aberrant splicing (PMID: 17576681, 9536098). Algorithms developed to predict the effect of sequence changes on RNA splicing suggest that this variant is not likely to affect RNA splicing. This sequence change falls in intron 30 of the COL3A1 gene. It does not directly change the encoded amino acid sequence of the COL3A1 protein. It affects a nucleotide within the consensus splice site. This variant is not present in population databases (gnomAD no frequency). This variant has not been reported in the literature in individuals affected with COL3A1-related conditions. ClinVar contains an entry for this variant (Variation ID: 1064337). In summary, the available evidence is currently insufficient to determine the role of this variant in disease. Therefore, it has been classified as a Variant of Uncertain Significance.

Literature cited by the submitters: PubMed 17576681; PubMed 9536098.

NM_000090.4(COL3A1):c.2121+4del

Gene: COL3A1 (collagen type III alpha 1 chain; plus strand). Cytogenetic location: 2q32.2.
Variant type: Deletion.
Coding change: c.2121+4del on transcript NM_000090.4 (MANE Select); 4 bases into the intron after coding-DNA position 2121, one base deleted (A; older notation c.2121+4delA).
Molecular consequence: intron variant.
Genome position (GRCh38, 1-based): chr2:188,999,387, A deleted; the last of 2 consecutive A bases (chr2:188,999,386-188,999,387); deleting either gives the same sequence. VCF-style (leftmost placement, unchanged base first): chr2-188999385-TA-T. GRCh37 (hg19) VCF-style: chr2-189864111-TA-T.
Identifiers: ClinVar variation 1064337 (VCV001064337.12), dbSNP rs1688402573, ClinGen allele CA2499215535.